The following is an entry in ClinVar:

NM_006231.4(POLE):c.2833T>G (p.Ser945Ala)

Gene: POLE (DNA polymerase epsilon, catalytic subunit; minus strand). Cytogenetic location: 12q24.33.
Variant type: single nucleotide variant.
Coding change: c.2833T>G on transcript NM_006231.4 (MANE Select); coding-DNA position 2833, T replaced by G.
Protein change: p.Ser945Ala; replaces serine 945 with alanine.
Molecular consequence: missense variant.
Genome position (GRCh38, 1-based): chr12:132,661,558, A>C on the plus strand (T>G on the coding strand, the complement: POLE is on the minus strand). VCF-style: chr12-132661558-A-C. GRCh37 (hg19) VCF-style: chr12-133238144-A-C.
Other names: short protein forms S945A.
Identifiers: ClinVar variation 835068 (VCV000835068.12), dbSNP rs2042682067, ClinGen allele CA387393644.

ClinVar aggregate classification (germline): Uncertain significance. Review status: criteria provided, multiple submitters, no conflicts (2 of 4 stars). 2 submissions from 2 submitters: Uncertain significance (2). Last evaluated 2025-10-05.

Conditions:
Hereditary cancer-predisposing syndrome. Also called: Hereditary neoplastic syndrome; Neoplastic Syndromes, Hereditary; Tumor predisposition; Hereditary Cancer Syndrome. Identifiers: Orphanet 140162, MedGen C0027672, MeSH D009386, MONDO:0015356.

Submissions (2):

Labcorp Genetics (formerly Invitae), Labcorp
Classification: Uncertain significance. Last evaluated: 2025-10-05. Review status: criteria provided, single submitter. Criteria: Invitae Variant Classification Sherloc (09022015). Collection method: clinical testing. Allele origin: germline.
Comment: This sequence change replaces serine, which is neutral and polar, with alanine, which is neutral and non-polar, at codon 945 of the POLE protein (p.Ser945Ala). This variant is not present in population databases (gnomAD no frequency). This variant has not been reported in the literature in individuals affected with POLE-related conditions. ClinVar contains an entry for this variant (Variation ID: 835068). Invitae Evidence Modeling of protein sequence and biophysical properties (such as structural, functional, and spatial information, amino acid conservation, physicochemical variation, residue mobility, and thermodynamic stability) indicates that this missense variant is not expected to disrupt POLE protein function with a negative predictive value of 80%. In summary, the available evidence is currently insufficient to determine the role of this variant in disease. Therefore, it has been classified as a Variant of Uncertain Significance.

Ambry Genetics
Classification: Uncertain significance for Hereditary cancer-predisposing syndrome. Last evaluated: 2022-09-21. Review status: criteria provided, single submitter. Criteria: Ambry Variant Classification Scheme 2023. Collection method: clinical testing. Allele origin: germline.
Comment: The p.S945A variant (also known as c.2833T>G), located in coding exon 24 of the POLE gene, results from a T to G substitution at nucleotide position 2833. The serine at codon 945 is replaced by alanine, an amino acid with similar properties. This amino acid position is conserved. In addition, this alteration is predicted to be tolerated by in silico analysis. Since supporting evidence is limited at this time, the clinical significance of this alteration remains unclear.